The following is an entry in ClinVar:

ClinVar aggregate classification (germline): Benign/Likely benign. Review status: criteria provided, multiple submitters, no conflicts (2 of 4 stars). 7 submissions from 7 submitters: Benign (6); Likely benign (1). Last evaluated 2026-02-02.

Conditions:
Episodic ataxia type 2 (EA2). Also called: ACETAZOLAMIDE-RESPONSIVE HEREDITARY PAROXYSMAL CEREBELLAR ATAXIA; ATAXIA, EPISODIC, WITH NYSTAGMUS; ATAXIA, FAMILIAL PAROXYSMAL; CEREBELLAR ATAXIA, PAROXYSMAL, ACETAZOLAMIDE-RESPONSIVE; CEREBELLOPATHY, HEREDITARY PAROXYSMAL; EPISODIC ATAXIA, NYSTAGMUS-ASSOCIATED. Identifiers: Orphanet 97, MedGen C1720416, MONDO:0007163, OMIM 108500.
Developmental and epileptic encephalopathy, 42 (DEE42A). Also called: Epileptic encephalopathy, early infantile, 42; DEVELOPMENTAL AND EPILEPTIC ENCEPHALOPATHY 42A; EPILEPTIC ENCEPHALOPATHY, EARLY INFANTILE, 42A. Identifiers: MedGen C4310716, MONDO:0014917, OMIM 617106.
Inborn genetic diseases. Identifiers: MedGen C0950123, MeSH D030342.

Allele frequency attached by ClinVar (database versions not stated): 1000 Genomes Project 0.00759; 1000 Genomes Project 30x 0.00828; gnomAD exomes 0.00049 and 0.00117; ExAC 0.00338; ESP Exome Variant Server 0.00508; gnomAD 0.00609 and 0.00646; TOPMed 0.00640.
gnomAD v4.1: 1,651 of 1,561,392 alleles (0.11%); highest among the groups gnomAD compares: African/African-American, 2%; 16 homozygotes.

Submissions (7):

Labcorp Genetics (formerly Invitae), Labcorp
Classification: Benign for Developmental and epileptic encephalopathy, 42; Episodic ataxia type 2. Last evaluated: 2026-02-02. Review status: criteria provided, single submitter. Criteria: Invitae Variant Classification Sherloc (09022015). Collection method: clinical testing. Allele origin: germline.

Blueprint Genetics
Classification: Likely benign. Last evaluated: 2024-11-26. Review status: criteria provided, single submitter. Criteria: ACMG Guidelines, 2015. Collection method: clinical testing. Allele origin: germline.

Mayo Clinic Laboratories, Mayo Clinic
Classification: Benign. Last evaluated: 2024-02-01. Review status: criteria provided, single submitter. Criteria: ACMG Guidelines, 2015. Collection method: clinical testing. Allele origin: germline. Observed: 6 variant alleles.
Comment: BS1, BS2, BP4, BP7

ARUP Laboratories, Molecular Genetics and Genomics, ARUP Laboratories
Classification: Benign. Last evaluated: 2023-12-19. Review status: criteria provided, single submitter. Criteria: ARUP Molecular Germline Variant Investigation Process 2024. Collection method: clinical testing. Allele origin: germline.

Athena Diagnostics
Classification: Benign. Last evaluated: 2019-05-20. Review status: criteria provided, single submitter. Criteria: Athena Diagnostics Criteria. Collection method: clinical testing. Allele origin: germline.

Ambry Genetics
Classification: Benign for Inborn genetic diseases. Last evaluated: 2016-07-28. Review status: criteria provided, single submitter. Criteria: Ambry Variant Classification Scheme 2023. Collection method: clinical testing. Allele origin: germline.

GeneDx
Classification: Benign. Last evaluated: 2016-04-21. Review status: criteria provided, single submitter. Criteria: GeneDx Variant Classification (06012015). Collection method: clinical testing. Allele origin: germline. Affected: yes.
Comment: This variant is considered likely benign or benign based on one or more of the following criteria: it is a conservative change, it occurs at a poorly conserved position in the protein, it is predicted to be benign by multiple in silico algorithms, and/or has population frequency not consistent with disease.

NM_001127222.2(CACNA1A):c.2826C>T (p.Ser942=)

Gene: CACNA1A (calcium voltage-gated channel subunit alpha1 A; minus strand). Cytogenetic location: 19p13.13.
Variant type: single nucleotide variant.
Coding change: c.2826C>T on transcript NM_001127222.2 (MANE Select); coding-DNA position 2826, C replaced by T.
Protein change: p.Ser942=; no amino-acid change (serine 942 retained).
Molecular consequence: synonymous variant.
Genome position (GRCh38, 1-based): chr19:13,298,807, G>A on the plus strand (C>T on the coding strand, the complement: CACNA1A is on the minus strand). VCF-style: chr19-13298807-G-A. GRCh37 (hg19) VCF-style: chr19-13409621-G-A.
Other names: p.Ser943=; c.2838C>T, p.Ser946= (NM_000068.4, NM_023035.3); c.2829C>T, p.Ser943= (NM_001127221.2, NM_001174080.2).
Identifiers: ClinVar variation 385274 (VCV000385274.20), dbSNP rs181024112, ClinGen allele CA9240465.